The following is an entry in ClinVar:

NM_000094.4(COL7A1):c.8358+5G>T

Gene: COL7A1 (collagen type VII alpha 1 chain; minus strand). Cytogenetic location: 3p21.31.
Variant type: single nucleotide variant.
Coding change: c.8358+5G>T on transcript NM_000094.4 (MANE Select); 5 bases into the intron after coding-DNA position 8358, G replaced by T.
Molecular consequence: intron variant.
Genome position (GRCh38, 1-based): chr3:48,566,505, C>A on the plus strand (G>T on the coding strand, the complement: COL7A1 is on the minus strand). VCF-style: chr3-48566505-C-A. GRCh37 (hg19) VCF-style: chr3-48603938-C-A.
Identifiers: ClinVar variation 2181087 (VCV002181087.1), dbSNP rs757600293, ClinGen allele CA433532402.

ClinVar aggregate classification (germline): Uncertain significance (1 of 4 stars; one submission).

Allele frequency attached by ClinVar (database versions not stated): TOPMed 0.00001.
gnomAD v4.1: 1 of 1,614,060 alleles (0.000062%); highest among the groups gnomAD compares: Non-Finnish European, 0.000085%; no homozygotes.

Submission:

Labcorp Genetics (formerly Invitae), Labcorp
Classification: Uncertain significance. Last evaluated: 2022-05-08. Review status: criteria provided, single submitter. Criteria: Invitae Variant Classification Sherloc (09022015). Collection method: clinical testing. Allele origin: germline.
Comment: This sequence change falls in intron 112 of the COL7A1 gene. It does not directly change the encoded amino acid sequence of the COL7A1 protein. It affects a nucleotide within the consensus splice site. This variant is not present in population databases (gnomAD no frequency). This variant has not been reported in the literature in individuals affected with COL7A1-related conditions. Variants that disrupt the consensus splice site are a relatively common cause of aberrant splicing (PMID: 17576681, 9536098). Algorithms developed to predict the effect of sequence changes on RNA splicing suggest that this variant is not likely to affect RNA splicing. In summary, the available evidence is currently insufficient to determine the role of this variant in disease. Therefore, it has been classified as a Variant of Uncertain Significance.

Literature cited by the submitters: PubMed 17576681; PubMed 9536098.